The following is an entry in ClinVar:

ClinVar aggregate classification (germline): Uncertain significance. Review status: criteria provided, multiple submitters, no conflicts (2 of 4 stars). 4 submissions from 4 submitters: Uncertain significance (4). Last evaluated 2026-01-02.

Conditions:
Inborn genetic diseases. Identifiers: MedGen C0950123, MeSH D030342.
Intellectual developmental disorder, autosomal recessive 37. Also called: Intellectual disability-hypotonia-spasticity-sleep disorder syndrome. Identifiers: Orphanet 356996, MedGen C3809672, MONDO:0014210, OMIM 615493.

Allele frequency attached by ClinVar (database versions not stated): gnomAD 0.00006 and 0.00007; gnomAD exomes 0.00007 and 0.00008; TOPMed 0.00009; ESP Exome Variant Server 0.00015; ExAC 0.00011.
gnomAD v4.1: 126 of 1,614,030 alleles (0.0078%); highest among the groups gnomAD compares: Non-Finnish European, 0.01%; no homozygotes.

Submissions (4):

Labcorp Genetics (formerly Invitae), Labcorp
Classification: Uncertain significance. Last evaluated: 2026-01-02. Review status: criteria provided, single submitter. Criteria: Invitae Variant Classification Sherloc (09022015). Collection method: clinical testing. Allele origin: germline.
Comment: This sequence change replaces asparagine, which is neutral and polar, with serine, which is neutral and polar, at codon 224 of the ANK3 protein (p.Asn224Ser). This variant is present in population databases (rs200837964, gnomAD 0.01%). This variant has not been reported in the literature in individuals affected with ANK3-related conditions. ClinVar contains an entry for this variant (Variation ID: 1298486). Invitae Evidence Modeling of protein sequence and biophysical properties (such as structural, functional, and spatial information, amino acid conservation, physicochemical variation, residue mobility, and thermodynamic stability) indicates that this missense variant is not expected to disrupt ANK3 protein function with a negative predictive value of 80%. In summary, the available evidence is currently insufficient to determine the role of this variant in disease. Therefore, it has been classified as a Variant of Uncertain Significance.

Ambry Genetics
Classification: Uncertain significance for Inborn genetic diseases. Last evaluated: 2023-12-30. Review status: criteria provided, single submitter. Criteria: Ambry Variant Classification Scheme 2023. Collection method: clinical testing. Allele origin: germline.

CeGaT Center for Human Genetics Tuebingen
Classification: Uncertain significance. Last evaluated: 2022-02-01. Review status: criteria provided, single submitter. Criteria: CeGaT Center For Human Genetics Tuebingen Variant Classification Criteria Version 2. Collection method: clinical testing. Allele origin: germline. Affected: yes. Observed: 3 variant alleles.

Fulgent Genetics
Classification: Uncertain significance for Intellectual developmental disorder, autosomal recessive 37. Last evaluated: 2021-07-19. Review status: criteria provided, single submitter. Criteria: ACMG Guidelines, 2015. Collection method: clinical testing. Allele origin: unknown.

NM_020987.5(ANK3):c.671A>G (p.Asn224Ser)

Gene: ANK3 (ankyrin 3; minus strand). Cytogenetic location: 10q21.2.
Variant type: single nucleotide variant.
Coding change: c.671A>G on transcript NM_020987.5 (MANE Select); coding-DNA position 671, A replaced by G.
Protein change: p.Asn224Ser; replaces asparagine 224 with serine.
Molecular consequence: missense variant.
Genome position (GRCh38, 1-based): chr10:60,263,863, T>C on the plus strand (A>G on the coding strand, the complement: ANK3 is on the minus strand). VCF-style: chr10-60263863-T-C. GRCh37 (hg19) VCF-style: chr10-62023621-T-C.
Other names: c.671A>G (NM_020987.3); c.653A>G, p.Asn218Ser (NM_001204403.2); c.620A>G, p.Asn207Ser (NM_001204404.2); c.671A>G, p.Asn224Ser (NM_001320874.2); short protein forms N207S, N218S, N224S.
Identifiers: ClinVar variation 1298486 (VCV001298486.42), dbSNP rs200837964, ClinGen allele CA5513358.
Genomic context (GRCh38, chr10:60,263,863, plus strand): 5'-TGCATGACAGGCCCGTGTCCCTCGTGCCTCACCTTTGATTCCACATCTGCATTGTTGTCA[T>C]TCTGCAGCAGCAGGGCGGCGGCTTTCGTGTCGTCTTTTCGGGCCGCGATATGAAGAGCTG-3'
Protein context (NP_066267.2, residues 214-234): DTKAAALLLQ[Asn224Ser]DNNADVESKS